The following is an entry in ClinVar:

ClinVar aggregate classification (germline): Uncertain significance (1 of 4 stars; one submission).

Conditions:
Intellectual disability, X-linked 102 (MRXSSB). Also called: Intellectual developmental disorder, X-linked syndromic, Snijders Blok type. Identifiers: Orphanet 457260, MedGen C5393299, MONDO:0010497, OMIM 300958.

Submission:

Juno Genomics, Hangzhou Juno Genomics, Inc
Classification: Uncertain significance for Intellectual disability, X-linked 102. Review status: criteria provided, single submitter. Criteria: ACMG Guidelines, 2015. Collection method: clinical testing. Allele origin: germline.
Comment: Absent from controls (or at extremely low frequency if recessive) in Genome Aggregation Database.;Multiple lines of computational evidence suggest no impact on gene or gene product.

NM_001356.5(DDX3X):c.431A>T (p.Glu144Val)

Gene: DDX3X (DEAD-box helicase 3 X-linked; plus strand). Cytogenetic location: Xp11.4.
Variant type: single nucleotide variant.
Coding change: c.431A>T on transcript NM_001356.5 (MANE Select); coding-DNA position 431, A replaced by T.
Protein change: p.Glu144Val; replaces glutamic acid 144 with valine.
Molecular consequence: missense variant. On other transcripts: 5 prime UTR variant (1), non-coding transcript variant (1).
Genome position (GRCh38, 1-based): chrX:41,342,641, A>T. VCF-style: chrX-41342641-A-T. GRCh37 (hg19) VCF-style: chrX-41201894-A-T.
Other names: c.431A>T, p.Glu144Val (NM_001193416.3); c.383A>T, p.Glu128Val (NM_001193417.3); c.-128A>T (NM_001363819.1); short protein forms E128V, E144V.
Identifiers: ClinVar variation 5019471 (VCV005019471.2).